The following is an entry in ClinVar:

ClinVar aggregate classification (germline): Uncertain significance (1 of 4 stars; one submission).

Conditions:
Epidermolysis bullosa simplex with nail dystrophy (EBS5D). Identifiers: MedGen C4225309, MONDO:0014661, OMIM 616487.
Epidermolysis bullosa simplex, Ogna type (EBS5A). Also called: Pidermolysis bullosa simplex 5A, Ogna type; EPIDERMOLYSIS BULLOSA SIMPLEX 5A, OGNA TYPE. Identifiers: Orphanet 79401, MedGen C0432317, MONDO:0007555, OMIM 131950.
Autosomal recessive limb-girdle muscular dystrophy type 2Q (LGMDR17). Also called: MUSCULAR DYSTROPHY, LIMB-GIRDLE, AUTOSOMAL RECESSIVE 17. Identifiers: Orphanet 254361, MedGen C3150989, MONDO:0013390, OMIM 613723.
Epidermolysis bullosa simplex 5B, with muscular dystrophy (EBS5B). Also called: Epidermolysis bullosa simplex with muscular dystrophy; EPIDERMOLYSIS BULLOSA SIMPLEX AND LIMB-GIRDLE MUSCULAR DYSTROPHY. Identifiers: Orphanet 257, MedGen C2931072, MONDO:0009181, OMIM 226670.
Epidermolysis bullosa simplex 5C, with pyloric atresia (EBS5C). Also called: PLEC-Related Epidermolysis Bullosa with Pyloric Atresia; Epidermolysis bullosa simplex with pyloric atresia; PLEC1-Related Epidermolysis Bullosa with Pyloric Atresia. Identifiers: Orphanet 158684, MedGen C2677349, MONDO:0012807, OMIM 612138.

Allele frequency attached by ClinVar (database versions not stated): gnomAD exomes below 0.00001.
gnomAD v4.1: 1 of 1,601,916 alleles (0.000062%); highest among the groups gnomAD compares: Non-Finnish European, 0.000085%; no homozygotes.

Submission:

Labcorp Genetics (formerly Invitae), Labcorp
Classification: Uncertain significance for Autosomal recessive limb-girdle muscular dystrophy type 2Q; Epidermolysis bullosa simplex, Ogna type; Epidermolysis bullosa simplex with nail dystrophy; Epidermolysis bullosa simplex 5C, with pyloric atresia; Epidermolysis bullosa simplex 5B, with muscular dystrophy. Last evaluated: 2023-03-02. Review status: criteria provided, single submitter. Criteria: Invitae Variant Classification Sherloc (09022015). Collection method: clinical testing. Allele origin: germline.
Comment: This variant is present in population databases (no rsID available, gnomAD 0.0009%). This variant has not been reported in the literature in individuals affected with PLEC-related conditions. Experimental studies and prediction algorithms are not available or were not evaluated, and the functional significance of this variant is currently unknown. In summary, the available evidence is currently insufficient to determine the role of this variant in disease. Therefore, it has been classified as a Variant of Uncertain Significance. This sequence change replaces glutamic acid, which is acidic and polar, with lysine, which is basic and polar, at codon 57 of the PLEC protein (p.Glu57Lys).

NM_000445.5(PLEC):c.169G>A (p.Glu57Lys)

Gene: PLEC (plectin; minus strand). Cytogenetic location: 8q24.3.
Variant type: single nucleotide variant.
Coding change: c.169G>A on transcript NM_000445.5; coding-DNA position 169, G replaced by A.
Protein change: p.Glu57Lys; replaces glutamic acid 57 with lysine.
Molecular consequence: missense variant.
Genome position (GRCh38, 1-based): chr8:143,975,201, C>T on the plus strand (G>A on the coding strand, the complement: PLEC is on the minus strand). VCF-style: chr8-143975201-C-T. GRCh37 (hg19) VCF-style: chr8-145049369-C-T.
Other names: c.169G>A, p.Glu57Lys (NM_001410941.1); short protein forms E57K.
Identifiers: ClinVar variation 2928671 (VCV002928671.3), dbSNP rs1554745625, ClinGen allele CA372491448.